The following is an entry in ClinVar:

NM_007294.4(BRCA1):c.2297G>C (p.Ser766Thr)

Gene: BRCA1 (BRCA1 DNA repair associated; minus strand). Cytogenetic location: 17q21.31.
Variant type: single nucleotide variant.
Coding change: c.2297G>C on transcript NM_007294.4 (MANE Select); coding-DNA position 2297, G replaced by C.
Protein change: p.Ser766Thr; replaces serine 766 with threonine.
Molecular consequence: missense variant. On other transcripts: intron variant (137).
Genome position (GRCh38, 1-based): chr17:43,093,234, C>G on the plus strand (G>C on the coding strand, the complement: BRCA1 is on the minus strand). VCF-style: chr17-43093234-C-G. GRCh37 (hg19) VCF-style: chr17-41245251-C-G.
Other names: c.709+1510G>C (NM_001408414.1, NM_001408411.1, NM_001408415.1 and 2 more transcripts); c.577+1510G>C (NM_001408514.1, NM_001408485.1, NM_001408483.1 and 9 more transcripts); c.661+1510G>C (NM_001408447.1, NM_001408433.1, NM_001408446.1 and 6 more transcripts); c.784+1510G>C (NM_001408400.1, NM_001408392.1, NM_001407986.1 and 13 more transcripts); c.664+1510G>C (NM_001408441.1, NM_001408437.1, NM_001408429.1 and 12 more transcripts); c.787+1510G>C (NM_001407979.1, NM_001407977.1, NM_001407982.1 and 17 more transcripts); c.646+1510G>C (NM_001408410.1, NM_001408458.1, NM_001408469.1 and 11 more transcripts); c.2171G>C, p.Ser724Thr (NM_001407691.1, NM_001407940.1, NM_001407941.1 and 11 more transcripts); and 41 more; short protein forms S766T, S719T, S470T, S639T, S678T, S699T, S740T, S765T.
Identifiers: ClinVar variation 1382179 (VCV001382179.11), dbSNP rs1567796224, ClinGen allele CA10597407.

ClinVar aggregate classification (germline): Conflicting classifications of pathogenicity. Review status: criteria provided, conflicting classifications (1 of 4 stars). 2 submissions from 2 submitters: Uncertain significance (1); Likely benign (1). Last evaluated 2023-03-23.

Conditions:
Hereditary cancer-predisposing syndrome. Also called: Tumor predisposition; Neoplastic Syndromes, Hereditary; Hereditary Cancer Syndrome; Hereditary neoplastic syndrome. Identifiers: Orphanet 140162, MedGen C0027672, MeSH D009386, MONDO:0015356.
Hereditary breast ovarian cancer syndrome. Also called: Hereditary breast and ovarian cancer syndrome (HBOC); Breast and ovarian cancer; BRCA1- and BRCA2-Associated Hereditary Breast and Ovarian Cancer; Hereditary breast and ovarian cancer; Hereditary breast and ovarian cancer syndrome; Hereditary breast and/or ovarian cancer syndrome. Identifiers: Orphanet 145, MedGen C0677776, MeSH D061325, MONDO:0003582. Disease mechanism: loss of function.

Submissions (2):

University of Washington Department of Laboratory Medicine, University of Washington
Classification: Likely benign for Hereditary cancer-predisposing syndrome. Last evaluated: 2023-03-23. Review status: criteria provided, single submitter. Criteria: Dines et al. (Genet Med. 2020). Collection method: curation. Allele origin: germline.
Comment: Missense variant in a coldspot region where missense variants are very unlikely to be pathogenic (PMID:31911673).

BRCA1 coldspot (exon 11 using historical exon numbering). Reclassification based on statistical prior probability

Labcorp Genetics (formerly Invitae), Labcorp
Classification: Uncertain significance for Hereditary breast ovarian cancer syndrome. Last evaluated: 2021-03-26. Review status: criteria provided, single submitter. Criteria: Invitae Variant Classification Sherloc (09022015). Collection method: clinical testing. Allele origin: germline.
Comment: In summary, the available evidence is currently insufficient to determine the role of this variant in disease. Therefore, it has been classified as a Variant of Uncertain Significance. Advanced modeling of protein sequence and biophysical properties (such as structural, functional, and spatial information, amino acid conservation, physicochemical variation, residue mobility, and thermodynamic stability) performed at Invitae indicates that this missense variant is not expected to disrupt BRCA1 protein function. This variant has not been reported in the literature in individuals with BRCA1-related conditions. This variant is not present in population databases (ExAC no frequency). This sequence change replaces serine with threonine at codon 766 of the BRCA1 protein (p.Ser766Thr). The serine residue is moderately conserved and there is a small physicochemical difference between serine and threonine.